The following is an entry in ClinVar:

NM_002354.3(EPCAM):c.281T>G (p.Leu94Arg)

Gene: EPCAM (epithelial cell adhesion molecule; plus strand). Cytogenetic location: 2p21.
Variant type: single nucleotide variant.
Coding change: c.281T>G on transcript NM_002354.3 (MANE Select); coding-DNA position 281, T replaced by G.
Protein change: p.Leu94Arg; replaces leucine 94 with arginine.
Molecular consequence: missense variant.
Genome position (GRCh38, 1-based): chr2:47,373,904, T>G. VCF-style: chr2-47373904-T-G. GRCh37 (hg19) VCF-style: chr2-47601043-T-G.
Other names: short protein forms L94R.
Identifiers: ClinVar variation 1796438 (VCV001796438.2), dbSNP rs1558435248, ClinGen allele CA346723045.

ClinVar aggregate classification (germline): Uncertain significance (1 of 4 stars; one submission).

Conditions:
Hereditary cancer-predisposing syndrome. Also called: Tumor predisposition; Hereditary Cancer Syndrome; Neoplastic Syndromes, Hereditary; Hereditary neoplastic syndrome. Identifiers: Orphanet 140162, MedGen C0027672, MeSH D009386, MONDO:0015356.

Submission:

Ambry Genetics
Classification: Uncertain significance for Hereditary cancer-predisposing syndrome. Last evaluated: 2022-02-07. Review status: criteria provided, single submitter. Criteria: Ambry Variant Classification Scheme 2023. Collection method: clinical testing. Allele origin: germline.
Comment: The p.L94R variant (also known as c.281T>G), located in coding exon 3 of the EPCAM gene, results from a T to G substitution at nucleotide position 281. The leucine at codon 94 is replaced by arginine, an amino acid with dissimilar properties. This amino acid position is conserved. In addition, the in silico prediction for this alteration is inconclusive. Since supporting evidence is limited at this time, the clinical significance of this alteration remains unclear.